The following is an entry in ClinVar:

NM_025150.5(TARS2):c.67-166A>G

Gene: TARS2 (threonyl-tRNA synthetase 2, mitochondrial; plus strand). Cytogenetic location: 1q21.2.
Variant type: single nucleotide variant.
Coding change: c.67-166A>G on transcript NM_025150.5 (MANE Select); 166 bases into the intron before coding-DNA position 67, A replaced by G.
Molecular consequence: intron variant.
Genome position (GRCh38, 1-based): chr1:150,487,692, A>G. VCF-style: chr1-150487692-A-G. GRCh37 (hg19) VCF-style: chr1-150460168-A-G.
Other names: c.67-166A>G (NM_001271895.2, NM_001271896.2).
Identifiers: ClinVar variation 680801 (VCV000680801.2), dbSNP rs2275246, ClinGen allele CA10815306.

ClinVar aggregate classification (germline): Benign. Review status: criteria provided, multiple submitters, no conflicts (2 of 4 stars). 2 submissions from 2 submitters: Benign (2). Last evaluated 2018-06-14.

Allele frequency attached by ClinVar (database versions not stated): 1000 Genomes Project 0.50839; 1000 Genomes Project 30x 0.52061; TOPMed 0.59802; gnomAD 0.60667 and 0.61711.
gnomAD v4.1: 92,052 of 151,926 alleles (61%); highest among the groups gnomAD compares: African/African-American, 67%; 28,423 homozygotes.

Submissions (2):

GeneDx
Classification: Benign. Last evaluated: 2018-06-14. Review status: criteria provided, single submitter. Criteria: GeneDx Variant Classification (06012015). Collection method: clinical testing. Allele origin: germline. Affected: yes.
Comment: This variant is considered likely benign or benign based on one or more of the following criteria: it is a conservative change, it occurs at a poorly conserved position in the protein, it is predicted to be benign by multiple in silico algorithms, and/or has population frequency not consistent with disease.

Breakthrough Genomics
Classification: Benign. Review status: criteria provided, single submitter. Criteria: ACMG Guidelines, 2015. Collection method: not provided. Allele origin: germline. Inheritance: Autosomal recessive inheritance. Affected: yes.